The following is an entry in ClinVar:

ClinVar aggregate classification (germline): Uncertain significance. Review status: criteria provided, multiple submitters, no conflicts (2 of 4 stars). 3 submissions from 3 submitters: Uncertain significance (3). Last evaluated 2024-10-18.

Conditions:
Hereditary cancer-predisposing syndrome. Also called: Neoplastic Syndromes, Hereditary; Tumor predisposition; Hereditary Cancer Syndrome; Hereditary neoplastic syndrome. Identifiers: Orphanet 140162, MedGen C0027672, MeSH D009386, MONDO:0015356.
Retinoblastoma (RB1). Also called: RETINOBLASTOMA, SOMATIC. Identifiers: Orphanet 790, MedGen C0035335, MeSH D012175, MONDO:0008380, OMIM 180200, HP:0009919. Disease mechanism: loss of function. Inheritance: Both sporadic and heritable forms are tested..

Submissions (3):

Ambry Genetics
Classification: Uncertain significance for Hereditary cancer-predisposing syndrome. Last evaluated: 2024-10-18. Review status: criteria provided, single submitter. Criteria: Ambry Variant Classification Scheme 2023. Collection method: clinical testing. Allele origin: germline.
Comment: The p.L305P variant (also known as c.914T>C), located in coding exon 9 of the RB1 gene, results from a T to C substitution at nucleotide position 914. The leucine at codon 305 is replaced by proline, an amino acid with similar properties. This amino acid position is conserved. In addition, the in silico prediction for this alteration is inconclusive. Based on the available evidence, the clinical significance of this variant remains unclear.

Labcorp Genetics (formerly Invitae), Labcorp
Classification: Uncertain significance for Retinoblastoma. Last evaluated: 2024-07-08. Review status: criteria provided, single submitter. Criteria: Invitae Variant Classification Sherloc (09022015). Collection method: clinical testing. Allele origin: germline.
Comment: This sequence change replaces leucine, which is neutral and non-polar, with proline, which is neutral and non-polar, at codon 305 of the RB1 protein (p.Leu305Pro). This variant is not present in population databases (gnomAD no frequency). This variant has not been reported in the literature in individuals affected with RB1-related conditions. ClinVar contains an entry for this variant (Variation ID: 1712811). Advanced modeling of protein sequence and biophysical properties (such as structural, functional, and spatial information, amino acid conservation, physicochemical variation, residue mobility, and thermodynamic stability) has been performed at Invitae for this missense variant, however the output from this modeling did not meet the statistical confidence thresholds required to predict the impact of this variant on RB1 protein function. In summary, the available evidence is currently insufficient to determine the role of this variant in disease. Therefore, it has been classified as a Variant of Uncertain Significance.

GeneDx
Classification: Uncertain significance. Last evaluated: 2022-04-26. Review status: criteria provided, single submitter. Criteria: GeneDx Variant Classification Process June 2021. Collection method: clinical testing. Allele origin: germline. Affected: yes.
Comment: Not observed at significant frequency in large population cohorts (gnomAD); In silico analysis supports that this missense variant has a deleterious effect on protein structure/function; Has not been previously published as pathogenic or benign to our knowledge

NM_000321.3(RB1):c.914T>C (p.Leu305Pro)

Gene: RB1 (RB transcriptional corepressor 1; plus strand). Cytogenetic location: 13q14.2.
Variant type: single nucleotide variant.
Coding change: c.914T>C on transcript NM_000321.3 (MANE Select); coding-DNA position 914, T replaced by C.
Protein change: p.Leu305Pro; replaces leucine 305 with proline.
Molecular consequence: missense variant.
Genome position (GRCh38, 1-based): chr13:48,364,946, T>C. VCF-style: chr13-48364946-T-C. GRCh37 (hg19) VCF-style: chr13-48939082-T-C.
Other names: c.914T>C, p.Leu305Pro (NM_001407165.1, NM_001407166.1); short protein forms L305P.
Identifiers: ClinVar variation 1712811 (VCV001712811.5), dbSNP rs2542185170, ClinGen allele CA388160024.